The following is an entry in ClinVar:

ClinVar aggregate classification (germline): Uncertain significance (1 of 4 stars; one submission).

Conditions:
Centromeric instability of chromosomes 1,9 and 16 and immunodeficiency (ICF1). Also called: CENTROMERIC INSTABILITY, IMMUNODEFICIENCY SYNDROME; Immunodeficiency-centromeric instability-facial anomalies; IMMUNE DEFICIENCY, VARIABLE, WITH CENTROMERIC INSTABILITY OF CHROMOSOMES 1, 9, AND 16; IMMUNODEFICIENCY SYNDROME, VARIABLE. Identifiers: Orphanet 2268, MedGen C0398788, MONDO:0000133.

Submission:

Labcorp Genetics (formerly Invitae), Labcorp
Classification: Uncertain significance for Centromeric instability of chromosomes 1,9 and 16 and immunodeficiency. Last evaluated: 2022-06-12. Review status: criteria provided, single submitter. Criteria: Invitae Variant Classification Sherloc (09022015). Collection method: clinical testing. Allele origin: germline.
Comment: This sequence change replaces alanine, which is neutral and non-polar, with serine, which is neutral and polar, at codon 513 of the DNMT3B protein (p.Ala513Ser). In summary, the available evidence is currently insufficient to determine the role of this variant in disease. Therefore, it has been classified as a Variant of Uncertain Significance. Algorithms developed to predict the effect of missense changes on protein structure and function are either unavailable or do not agree on the potential impact of this missense change (SIFT: "Tolerated"; PolyPhen-2: "Probably Damaging"; Align-GVGD: "Class C0"). This variant has not been reported in the literature in individuals affected with DNMT3B-related conditions. This variant is not present in population databases (gnomAD no frequency).

NM_006892.4(DNMT3B):c.1537G>T (p.Ala513Ser)

Genes: DNMT3B (DNA methyltransferase 3 beta; plus strand), LOC126863014 (CDK7 strongly-dependent group 2 enhancer GRCh37_chr20:31385992-31387191; plus strand). Cytogenetic location: 20q11.21.
Variant type: single nucleotide variant.
Coding change: c.1537G>T on transcript NM_006892.4 (MANE Select); coding-DNA position 1537, G replaced by T.
Protein change: p.Ala513Ser; replaces alanine 513 with serine.
Molecular consequence: missense variant.
Genome position (GRCh38, 1-based): chr20:32,798,506, G>T. VCF-style: chr20-32798506-G-T. GRCh37 (hg19) VCF-style: chr20-31386312-G-T.
Other names: c.1351G>T, p.Ala451Ser (NM_001207055.2); c.1249G>T, p.Ala417Ser (NM_001207056.2); c.1477G>T, p.Ala493Ser (NM_175848.2, NM_175849.2); c.1513G>T, p.Ala505Ser (NM_175850.3); short protein forms A417S, A493S, A451S, A505S, A513S.
Identifiers: ClinVar variation 1997145 (VCV001997145.4), dbSNP rs1568854293, ClinGen allele CA408586858.